The following is an entry in ClinVar:

ClinVar aggregate classification (germline): Uncertain significance. Review status: reviewed by expert panel (3 of 4 stars). 3 submissions from 3 submitters: Uncertain significance (1). 2 of the submissions do not count toward it. Last evaluated 2023-12-25.

Conditions:
Monogenic diabetes. Identifiers: Orphanet 183625, MedGen C3888631, MONDO:0015967.
Maturity-onset diabetes of the young (MODY). Also called: Maturity onset diabetes mellitus in young. Identifiers: Orphanet 552, MedGen C0342276, MONDO:0018911, HP:0004904.

Submissions (3):

ClinGen Monogenic Diabetes Variant Curation Expert Panel
Classification: Uncertain significance for Monogenic diabetes. Last evaluated: 2023-12-25. Review status: reviewed by expert panel. Criteria: ClinGen Diabetes ACMG Specifications HNF1A V2.1.0. Collection method: curation. Allele origin: germline. Inheritance: Autosomal dominant inheritance.
Comment: The c.593T>G variant in the hepatic nuclear factor 4-alpha gene, HNF4A, causes an amino acid change of leucine to arginine at codon 198 (p.(Leu198Arg)) of NM_175914.5. This variant is located within the ligand-binding domain (codons 180-220 and 300-350) of HNF4A, which is defined as critical for the protein’s function by the ClinGen MDEP (PM1_Supporting). This variant is predicted to be deleterious by computational evidence, with a REVEL score of 0.98, which is greater than the MDEP VCEP threshold of 0.70 (PP3). This variant is absent from gnomAD v2.1.1 (PM2_Supporting). In summary, c.593T>G meets the criteria to be classified as a variant of uncertain significance for monogenic diabetes. ACMG/AMP criteria applied, as specified by the ClinGen MDEP (specification version 2.0.0, approved 10/22/2023): PP3, PM1_Supporting, PM2_Supporting.

Athena Diagnostics
Classification: Uncertain significance. Last evaluated: 2018-02-28. Review status: criteria provided, single submitter. Criteria: Athena Diagnostics Criteria. Collection method: clinical testing. Allele origin: germline. Not counted in ClinVar's aggregate classification.

Clinical Genomics, Uppaluri K&H Personalized Medicine Clinic
Classification: Likely risk allele for Maturity-onset diabetes of the young. Review status: criteria provided, single submitter. Criteria: K & H Uppaluri Personalized Medicine Clinic Variant Classification & Assertion Criteria_Updated V.1. Collection method: research. Allele origin: unknown. Inheritance: Autosomal dominant inheritance. Not counted in ClinVar's aggregate classification.
Comment: Potent mutations in HNF4A are associated with poor insulin secretion in response to hyperglycemia. Associated with MODY1. Patients initially respond well to sulfonylureas but eventually become insulin dependent. However, more evidence is required to ascertain the role of this particular variant rs1568735272 in MODY, yet.

Literature cited by the submitters: PubMed 18268044 (cited by Clinical Genomics, Uppaluri K&H Personalized Medicine Clinic); PubMed 17563455 (cited by Clinical Genomics, Uppaluri K&H Personalized Medicine Clinic); PubMed 32583173 (cited by Clinical Genomics, Uppaluri K&H Personalized Medicine Clinic); PubMed 35052457 (cited by Clinical Genomics, Uppaluri K&H Personalized Medicine Clinic); PubMed 35118593 (cited by Clinical Genomics, Uppaluri K&H Personalized Medicine Clinic); DOI 10.1159/000334532 (cited by Clinical Genomics, Uppaluri K&H Personalized Medicine Clinic).

NM_175914.5(HNF4A):c.593T>G (p.Leu198Arg)

Gene: HNF4A (hepatocyte nuclear factor 4 alpha; plus strand). Cytogenetic location: 20q13.12.
Variant type: single nucleotide variant.
Coding change: c.593T>G on transcript NM_175914.5 (MANE Select); coding-DNA position 593, T replaced by G.
Protein change: p.Leu198Arg; replaces leucine 198 with arginine.
Molecular consequence: missense variant.
Genome position (GRCh38, 1-based): chr20:44,418,435, T>G. VCF-style: chr20-44418435-T-G. GRCh37 (hg19) VCF-style: chr20-43047075-T-G.
Other names: NM_175914.5(HNF4A):c.593T>G; p.Leu198Arg; c.659T>G, p.Leu220Arg (NM_000457.6, NM_178849.3, NM_178850.3); c.593T>G, p.Leu198Arg (NM_001030003.3, NM_001030004.3); c.638T>G, p.Leu213Arg (NM_001258355.2); c.584T>G, p.Leu195Arg (NM_001287182.2, NM_001287183.2, NM_001287184.2); short protein forms L195R, L198R, L220R, L213R.
Identifiers: ClinVar variation 586019 (VCV000586019.3), dbSNP rs1568735272, ClinGen allele CA409106762.
Genomic context (GRCh38, chr20:44,418,435, plus strand): 5'-CAGCCTTCCCAAGGGTACAGATGGCAAACACTGTTCCTTCTCTCTTTCAGGTGGCCCTGC[T>G]CAGAGCCCATGCTGGCGAGCACCTGCTGCTCGGAGCCACCAAGAGATCCATGGTGTTCAA-3'
Protein context (NP_787110.2, residues 188-208): ELPLDDQVAL[Leu198Arg]RAHAGEHLLL